The following is an entry in ClinVar:

NM_001267550.2(TTN):c.39087A>C (p.Pro13029=)

Gene: TTN (titin; minus strand). Cytogenetic location: 2q31.2.
Variant type: single nucleotide variant.
Coding change: c.39087A>C on transcript NM_001267550.2 (MANE Select); coding-DNA position 39087, A replaced by C.
Protein change: p.Pro13029=; no amino-acid change (proline 13029 retained).
Molecular consequence: synonymous variant. On other transcripts: intron variant (3).
Genome position (GRCh38, 1-based): chr2:178,652,498, T>G on the plus strand (A>C on the coding strand, the complement: TTN is on the minus strand). VCF-style: chr2-178652498-T-G. GRCh37 (hg19) VCF-style: chr2-179517225-T-G.
Other names: c.34566A>C, p.Pro11522= (NM_001256850.1); c.31785A>C, p.Pro10595= (NM_133378.4); c.13283-10181A>C (NM_003319.4); c.13859-10181A>C (NM_133437.4); c.13658-10181A>C (NM_133432.3).
Identifiers: ClinVar variation 2442923 (VCV002442923.5), dbSNP rs776542838, ClinGen allele CA1996872.

ClinVar aggregate classification (germline): Likely benign. Review status: criteria provided, multiple submitters, no conflicts (2 of 4 stars). 3 submissions from 3 submitters: Likely benign (3). Last evaluated 2026-06-01.

Conditions:
Dilated cardiomyopathy 1G (CMD1G). Identifiers: Orphanet 154, MedGen C1858763, MONDO:0011400, OMIM 604145.
Autosomal recessive limb-girdle muscular dystrophy type 2J (LGMDR10). Also called: Limb-girdle muscular dystrophy, type 2J; MUSCULAR DYSTROPHY, LIMB-GIRDLE, AUTOSOMAL RECESSIVE 10. Identifiers: Orphanet 140922, MedGen C1837342, MONDO:0012127, OMIM 608807.
Cardiomyopathy (CMYO). Also called: Cardiomyopathies. Identifiers: Orphanet 167848, MedGen C0878544, MONDO:0004994, HP:0001638. Inheritance: Various modes of inheritance.

Allele frequency attached by ClinVar (database versions not stated): 1000 Genomes Project 30x 0.00031.

Submissions (3):

CeGaT Center for Human Genetics Tuebingen
Classification: Likely benign. Last evaluated: 2026-06-01. Review status: criteria provided, single submitter. Criteria: CeGaT Center For Human Genetics Tuebingen Variant Classification Criteria Version 2. Collection method: clinical testing. Allele origin: germline. Affected: yes. Observed: 1 variant allele.
Comment: TTN: BP4, BP7

Labcorp Genetics (formerly Invitae), Labcorp
Classification: Likely benign for Dilated cardiomyopathy 1G; Autosomal recessive limb-girdle muscular dystrophy type 2J. Last evaluated: 2025-12-09. Review status: criteria provided, single submitter. Criteria: Invitae Variant Classification Sherloc (09022015). Collection method: clinical testing. Allele origin: germline.

CHEO Genetics Diagnostic Laboratory, Children's Hospital of Eastern Ontario
Classification: Likely benign for Cardiomyopathy. Last evaluated: 2021-09-13. Review status: criteria provided, single submitter. Criteria: ACMG Guidelines, 2015. Collection method: clinical testing. Allele origin: germline.